The following is an entry in ClinVar:

NM_058004.4(PI4KA):c.5390G>A (p.Ser1797Asn)

Gene: PI4KA (phosphatidylinositol 4-kinase alpha; minus strand). Cytogenetic location: 22q11.21.
Variant type: single nucleotide variant.
Coding change: c.5390G>A on transcript NM_058004.4 (MANE Select); coding-DNA position 5390, G replaced by A.
Protein change: p.Ser1797Asn; replaces serine 1797 with asparagine.
Molecular consequence: missense variant.
Genome position (GRCh38, 1-based): chr22:20,714,628, C>T on the plus strand (G>A on the coding strand, the complement: PI4KA is on the minus strand). VCF-style: chr22-20714628-C-T. GRCh37 (hg19) VCF-style: chr22-21068916-C-T.
Other names: c.5297G>A, p.Ser1766Asn (NM_001362862.2); c.5324G>A, p.Ser1775Asn (NM_001362863.2); short protein forms S1797N, S1775N, S1766N.
Identifiers: ClinVar variation 5006446 (VCV005006446.2).
Genomic context (GRCh38, chr22:20,714,628, plus strand): 5'-CGAGAAAAACTTCGCACGCGGACGCGTGGAAGTGGGGGATGGGTAGGGTGAGGCGCCCAC[C>T]TCTGCATCGGGGTCCCAGACTTGTAGTCGATGTCCAGCACAATGGCCTCAGGGTTGCTGG-3'
Protein context (NP_477352.3, residues 1787-1807): IDYKSGTPMQ[Ser1797Asn]AAKAPYLAKF

ClinVar aggregate classification (germline): Uncertain significance (1 of 4 stars; one submission).

Conditions:
Gastrointestinal defects and immunodeficiency syndrome 2 (GIDID2). Also called: MULTIPLE INTESTINAL ATRESIA WITH OR WITHOUT LEUKOPENIA. Identifiers: MedGen C5676901, MONDO:0030669, OMIM 619708.
Spastic paraplegia 84, autosomal recessive (SPG84). Identifiers: Orphanet 631079, MedGen C5562025, MONDO:0030482, OMIM 619621.
Polymicrogyria, perisylvian, with cerebellar hypoplasia and arthrogryposis (NEDSPLB). Identifiers: MedGen C4225295, MONDO:0014679, OMIM 616531.

Submission:

Juno Genomics, Hangzhou Juno Genomics, Inc
Classification: Uncertain significance for Gastrointestinal defects and immunodeficiency syndrome 2; Polymicrogyria, perisylvian, with cerebellar hypoplasia and arthrogryposis; Spastic paraplegia 84, autosomal recessive. Review status: criteria provided, single submitter. Criteria: ACMG Guidelines, 2015. Collection method: clinical testing. Allele origin: germline.
Comment: Absent from controls (or at extremely low frequency if recessive) in Genome Aggregation Database.;Multiple lines of computational evidence support a deleterious effect on the gene or gene product.